The following is an entry in ClinVar:

NM_002471.4(MYH6):c.2065C>A (p.Pro689Thr)

Gene: MYH6 (myosin heavy chain 6; minus strand). Cytogenetic location: 14q11.2.
Variant type: single nucleotide variant.
Coding change: c.2065C>A on transcript NM_002471.4 (MANE Select); coding-DNA position 2065, C replaced by A.
Protein change: p.Pro689Thr; replaces proline 689 with threonine.
Molecular consequence: missense variant.
Genome position (GRCh38, 1-based): chr14:23,397,066, G>T on the plus strand (C>A on the coding strand, the complement: MYH6 is on the minus strand). VCF-style: chr14-23397066-G-T. GRCh37 (hg19) VCF-style: chr14-23866275-G-T.
Other names: short protein forms P689T.
Identifiers: ClinVar variation 407160 (VCV000407160.14), dbSNP rs748016197, ClinGen allele CA7115598.

ClinVar aggregate classification (germline): Uncertain significance. Review status: criteria provided, multiple submitters, no conflicts (2 of 4 stars). 3 submissions from 3 submitters: Uncertain significance (3). Last evaluated 2024-11-17.

Conditions:
Cardiovascular phenotype. Identifiers: MedGen CN230736.
Dilated cardiomyopathy 1EE (CMD1EE). Identifiers: Orphanet 154, MedGen C2750466, MONDO:0013198, OMIM 613252.
Hypertrophic cardiomyopathy 1 (CMH1). Also called: MYH7-Related Familial Hypertrophic Cardiomyopathy; Familial hypertrophic cardiomyopathy 1. Identifiers: MedGen C3495498, MONDO:0008647, OMIM 192600.
Atrial septal defect 3 (ASD3). Identifiers: Orphanet 1478, MedGen C3279790, MONDO:0013567, OMIM 614089.
Sick sinus syndrome 3, susceptibility to (SSS3). Identifiers: Orphanet 166282, MedGen C3279791, MONDO:0013568, OMIM 614090.
Hypertrophic cardiomyopathy 14. Identifiers: MedGen C2750467, MONDO:0013197, OMIM 613251.

Allele frequency attached by ClinVar (database versions not stated): ExAC 0.00001; gnomAD exomes 0.00001; TOPMed 0.00001; gnomAD 0.00003.
gnomAD v4.1: 23 of 1,614,104 alleles (0.0014%); highest among the groups gnomAD compares: Non-Finnish European, 0.0019%; no homozygotes.

Submissions (3):

Ambry Genetics
Classification: Uncertain significance for Cardiovascular phenotype. Last evaluated: 2024-11-17. Review status: criteria provided, single submitter. Criteria: Ambry Variant Classification Scheme 2023. Collection method: clinical testing. Allele origin: germline.
Comment: The p.P689T variant (also known as c.2065C>A), located in coding exon 16 of the MYH6 gene, results from a C to A substitution at nucleotide position 2065. The proline at codon 689 is replaced by threonine, an amino acid with highly similar properties. This alteration has been reported in a hypertrophic cardiomyopathy (HCM) cohort; however, clinical details were limited (Lopes LR et al. Heart, 2015 Feb;101:294-301). This amino acid position is well conserved in available vertebrate species. In addition, this alteration is predicted to be tolerated by in silico analysis. Since supporting evidence is limited at this time, the clinical significance of this alteration remains unclear.

Fulgent Genetics
Classification: Uncertain significance for Hypertrophic cardiomyopathy 1; Hypertrophic cardiomyopathy 14; Dilated cardiomyopathy 1EE; Atrial septal defect 3; Sick sinus syndrome 3, susceptibility to. Last evaluated: 2021-10-31. Review status: criteria provided, single submitter. Criteria: ACMG Guidelines, 2015. Collection method: clinical testing. Allele origin: unknown.

Labcorp Genetics (formerly Invitae), Labcorp
Classification: Uncertain significance for Hypertrophic cardiomyopathy 14. Last evaluated: 2019-09-09. Review status: criteria provided, single submitter. Criteria: Invitae Variant Classification Sherloc (09022015). Collection method: clinical testing. Allele origin: germline.
Comment: This variant is present in population databases (rs748016197, ExAC 0.001%) but has not been reported in the literature in individuals with a MYH6-related disease. In summary, this variant is a rare missense change that is not predicted to affect protein function. There is no indication that it causes disease, but the available evidence is currently insufficient to prove that conclusively. Therefore, it has been classified as a Variant of Uncertain Significance. Algorithms developed to predict the effect of missense changes on protein structure and function (SIFT, PolyPhen-2, Align-GVGD) all suggest that this variant is likely to be tolerated, but these predictions have not been confirmed by published functional studies. This sequence change replaces proline with threonine at codon 689 of the MYH6 protein (p.Pro689Thr). The proline residue is weakly conserved and there is a small physicochemical difference between proline and threonine.

Literature cited by the submitters: PubMed 25351510 (cited by Ambry Genetics).